The following is an entry in ClinVar:

ClinVar aggregate classification (germline): Uncertain significance. Review status: criteria provided, multiple submitters, no conflicts (2 of 4 stars). 2 submissions from 2 submitters: Uncertain significance (2). Last evaluated 2025-02-26.

Conditions:
Inborn genetic diseases. Identifiers: MedGen C0950123, MeSH D030342.

Allele frequency attached by ClinVar (database versions not stated): gnomAD 0.00001; gnomAD exomes 0.00001; TOPMed 0.00002; ExAC 0.00003.
gnomAD v4.1: 16 of 1,612,728 alleles (0.00099%); highest among the groups gnomAD compares: East Asian, 0.0022%; no homozygotes.

Submissions (2):

Ambry Genetics
Classification: Uncertain significance for Inborn genetic diseases. Last evaluated: 2025-02-26. Review status: criteria provided, single submitter. Criteria: Ambry Variant Classification Scheme 2023. Collection method: clinical testing. Allele origin: germline.

Labcorp Genetics (formerly Invitae), Labcorp
Classification: Uncertain significance. Last evaluated: 2024-05-06. Review status: criteria provided, single submitter. Criteria: Invitae Variant Classification Sherloc (09022015). Collection method: clinical testing. Allele origin: germline.
Comment: This sequence change replaces arginine, which is basic and polar, with tryptophan, which is neutral and slightly polar, at codon 2048 of the MYO18B protein (p.Arg2048Trp). This variant is present in population databases (rs761659558, gnomAD 0.003%). This variant has not been reported in the literature in individuals affected with MYO18B-related conditions. ClinVar contains an entry for this variant (Variation ID: 1394872). An algorithm developed to predict the effect of missense changes on protein structure and function (PolyPhen-2) suggests that this variant is likely to be disruptive. In summary, the available evidence is currently insufficient to determine the role of this variant in disease. Therefore, it has been classified as a Variant of Uncertain Significance.

NM_032608.7(MYO18B):c.6142C>T (p.Arg2048Trp)

Gene: MYO18B (myosin XVIIIB; plus strand). Cytogenetic location: 22q12.1.
Variant type: single nucleotide variant.
Coding change: c.6142C>T on transcript NM_032608.7 (MANE Select); coding-DNA position 6142, C replaced by T.
Protein change: p.Arg2048Trp; replaces arginine 2048 with tryptophan.
Molecular consequence: missense variant.
Genome position (GRCh38, 1-based): chr22:25,955,350, C>T. VCF-style: chr22-25955350-C-T. GRCh37 (hg19) VCF-style: chr22-26351316-C-T.
Other names: c.6142C>T (NM_032608.5); c.6145C>T, p.Arg2049Trp (NM_001318245.2); short protein forms R2049W, R2048W.
Identifiers: ClinVar variation 1394872 (VCV001394872.10), dbSNP rs761659558, ClinGen allele CA10161406.